The following is an entry in ClinVar:

ClinVar aggregate classification (germline): Uncertain significance (1 of 4 stars; one submission).

Conditions:
Early-infantile DEE. Also called: Early infantile epileptic encephalopathy; Ohtahara syndrome; Early infantile epileptic encephalopathy with suppression bursts. Identifiers: Orphanet 1934, MedGen C0393706, MONDO:0800491.

Submission:

Labcorp Genetics (formerly Invitae), Labcorp
Classification: Uncertain significance for Early-infantile DEE. Last evaluated: 2020-11-03. Review status: criteria provided, single submitter. Criteria: Invitae Variant Classification Sherloc (09022015). Collection method: clinical testing. Allele origin: germline.
Comment: This variant is not present in population databases (ExAC no frequency). In summary, the available evidence is currently insufficient to determine the role of this variant in disease. Therefore, it has been classified as a Variant of Uncertain Significance. Algorithms developed to predict the effect of missense changes on protein structure and function output the following: SIFT: "Tolerated"; PolyPhen-2: "Benign"; Align-GVGD: "Class C0". The phenylalanine amino acid residue is found in multiple mammalian species, suggesting that this missense change does not adversely affect protein function. These predictions have not been confirmed by published functional studies and their clinical significance is uncertain. This variant has not been reported in the literature in individuals with SLC25A22-related conditions. This sequence change replaces leucine with phenylalanine at codon 104 of the SLC25A22 protein (p.Leu104Phe). The leucine residue is weakly conserved and there is a small physicochemical difference between leucine and phenylalanine.

NM_001191061.2(SLC25A22):c.310C>T (p.Leu104Phe)

Gene: SLC25A22 (solute carrier family 25 member 22; minus strand). Cytogenetic location: 11p15.5.
Variant type: single nucleotide variant.
Coding change: c.310C>T on transcript NM_001191061.2 (MANE Select); coding-DNA position 310, C replaced by T.
Protein change: p.Leu104Phe; replaces leucine 104 with phenylalanine.
Molecular consequence: missense variant.
Genome position (GRCh38, 1-based): chr11:792,972, G>A on the plus strand (C>T on the coding strand, the complement: SLC25A22 is on the minus strand). VCF-style: chr11-792972-G-A. GRCh37 (hg19) VCF-style: chr11-792972-G-A.
Other names: c.310C>T, p.Leu104Phe (NM_001191060.2, NM_024698.6); short protein forms L104F.
Identifiers: ClinVar variation 1399163 (VCV001399163.9), dbSNP rs2133703943, ClinGen allele CA378971263.